The following is an entry in ClinVar:

NM_000432.4(MYL2):c.283C>T (p.Pro95Ser)

Gene: MYL2 (myosin light chain 2; minus strand). Cytogenetic location: 12q24.11.
Variant type: single nucleotide variant.
Coding change: c.283C>T on transcript NM_000432.4 (MANE Select); coding-DNA position 283, C replaced by T.
Protein change: p.Pro95Ser; replaces proline 95 with serine.
Molecular consequence: missense variant.
Genome position (GRCh38, 1-based): chr12:110,913,316, G>A on the plus strand (C>T on the coding strand, the complement: MYL2 is on the minus strand). VCF-style: chr12-110913316-G-A. GRCh37 (hg19) VCF-style: chr12-111351120-G-A.
Other names: c.283C>T (NM_000432.3); short protein forms P95S.
Identifiers: ClinVar variation 1396446 (VCV001396446.10), dbSNP rs121913658, ClinGen allele CA386698143.
Genomic context (GRCh38, chr12:110,913,316, plus strand): 5'-TCAGCACCCCTTTGCCTTCAGGGTCAAACACTTTGAATGCGTTGAGAATGGTTTCCTCAG[G>A]GTCCGCTCCTGAAACGGAACACAGGGCTTACATGTACTGGGGGTGGCTGGGAACCACTGG-3'
Protein context (NP_000423.2, residues 85-105): MFGEKLKGAD[Pro95Ser]EETILNAFKV

ClinVar aggregate classification (germline): Uncertain significance. Review status: criteria provided, multiple submitters, no conflicts (2 of 4 stars). 4 submissions from 4 submitters: Uncertain significance (4). Last evaluated 2024-12-03.

Conditions:
Hypertrophic cardiomyopathy 10. Also called: CARDIOMYOPATHY, HYPERTROPHIC, MID-LEFT VENTRICULAR CHAMBER TYPE, 2; MYL2-Related Familial Hypertrophic Cardiomyopathy. Identifiers: MedGen C1834460, MONDO:0012112, OMIM 608758.
Cardiomyopathy (CMYO). Also called: Cardiomyopathies. Identifiers: Orphanet 167848, MedGen C0878544, MONDO:0004994, HP:0001638. Inheritance: Various modes of inheritance.

Allele frequency attached by ClinVar (database versions not stated): gnomAD exomes below 0.00001.
gnomAD v4.1: 1 of 1,614,200 alleles (0.000062%); no homozygotes.

Submissions (4):

GeneDx
Classification: Uncertain significance. Last evaluated: 2024-12-03. Review status: criteria provided, single submitter. Criteria: GeneDx Variant Classification Process June 2021. Collection method: clinical testing. Allele origin: germline. Affected: yes.
Comment: Has not been previously published as pathogenic or benign to our knowledge; Not observed at significant frequency in large population cohorts (gnomAD); In silico analysis supports that this missense variant has a deleterious effect on protein structure/function

Color Diagnostics, LLC DBA Color Health
Classification: Uncertain significance for Cardiomyopathy. Last evaluated: 2024-06-12. Review status: criteria provided, single submitter. Criteria: ACMG Guidelines, 2015. Collection method: clinical testing. Allele origin: germline.
Comment: This missense variant replaces proline with serine at codon 95 of the MYL2 protein. Computational prediction tools indicate that this variant's impact on protein structure and function is inconclusive. To our knowledge, functional studies have not been reported for this variant. This variant has not been reported in individuals affected with MYL2-related disorders in the literature. This variant has been identified in 1/251488 chromosomes in the general population by the Genome Aggregation Database (gnomAD). The available evidence is insufficient to determine the role of this variant in disease conclusively. Therefore, this variant is classified as a Variant of Uncertain Significance.

Labcorp Genetics (formerly Invitae), Labcorp
Classification: Uncertain significance for Hypertrophic cardiomyopathy 10. Last evaluated: 2023-07-07. Review status: criteria provided, single submitter. Criteria: Invitae Variant Classification Sherloc (09022015). Collection method: clinical testing. Allele origin: germline.
Comment: An algorithm developed to predict the effect of missense changes on protein structure and function (PolyPhen-2) suggests that this variant is likely to be disruptive. In summary, the available evidence is currently insufficient to determine the role of this variant in disease. Therefore, it has been classified as a Variant of Uncertain Significance. ClinVar contains an entry for this variant (Variation ID: 1396446). This sequence change replaces proline, which is neutral and non-polar, with serine, which is neutral and polar, at codon 95 of the MYL2 protein (p.Pro95Ser). This variant is present in population databases (no rsID available, gnomAD 0.0009%). This variant has not been reported in the literature in individuals affected with MYL2-related conditions.

Blueprint Genetics
Classification: Uncertain significance. Last evaluated: 2023-05-23. Review status: criteria provided, single submitter. Criteria: ACMG Guidelines, 2015. Collection method: clinical testing. Allele origin: germline.